The following is an entry in ClinVar:

NM_031443.4(CCM2):c.*20dup

Gene: CCM2 (CCM2 scaffold protein; plus strand). Cytogenetic location: 7p13.
Variant type: Duplication.
Coding change: c.*20dup on transcript NM_031443.4 (MANE Select); 20 bases downstream of the stop codon, one base duplicated (C; older notation c.*20dupC).
Molecular consequence: 3 prime UTR variant. On other transcripts: non-coding transcript variant (1).
Genome position (GRCh38, 1-based): chr7:45,076,077, C duplicated. VCF-style (leftmost placement, unchanged base first): chr7-45076076-G-GC. GRCh37 (hg19) VCF-style: chr7-45115675-G-GC.
Other names: c.*20dup (NM_001029835.2, NM_001167934.2, NM_001167935.2 and 2 more transcripts); c.*20dupC (NM_031443.3).
Identifiers: ClinVar variation 420742 (VCV000420742.1), dbSNP rs1554381232, ClinGen allele CA16618478.

ClinVar aggregate classification (germline): Likely benign (1 of 4 stars; one submission).

Submission:

GeneDx
Classification: Likely benign. Last evaluated: 2016-03-18. Review status: criteria provided, single submitter. Criteria: GeneDx Variant Classification (06012015). Collection method: clinical testing. Allele origin: germline. Affected: yes.
Comment: This variant is considered likely benign or benign based on one or more of the following criteria: it is a conservative change, it occurs at a poorly conserved position in the protein, it is predicted to be benign by multiple in silico algorithms, and/or has population frequency not consistent with disease.